The following is an entry in ClinVar:

ClinVar aggregate classification (germline): Uncertain significance (1 of 4 stars; one submission).

Allele frequency attached by ClinVar (database versions not stated): gnomAD exomes below 0.00001.
gnomAD v4.1: 2 of 1,614,122 alleles (0.00012%); highest among the groups gnomAD compares: Non-Finnish European, 0.00017%; no homozygotes.

Submission:

GeneDx
Classification: Uncertain significance. Last evaluated: 2022-11-07. Review status: criteria provided, single submitter. Criteria: GeneDx Variant Classification Process June 2021. Collection method: clinical testing. Allele origin: germline. Affected: yes.
Comment: Not observed at significant frequency in large population cohorts (gnomAD); In silico analysis supports that this missense variant does not alter protein structure/function; Has not been previously published as pathogenic or benign to our knowledge

NM_001197104.2(KMT2A):c.4885G>A (p.Glu1629Lys)

Gene: KMT2A (lysine methyltransferase 2A; plus strand). Cytogenetic location: 11q23.3.
Variant type: single nucleotide variant.
Coding change: c.4885G>A on transcript NM_001197104.2 (MANE Select); coding-DNA position 4885, G replaced by A.
Protein change: p.Glu1629Lys; replaces glutamic acid 1629 with lysine.
Molecular consequence: missense variant.
Genome position (GRCh38, 1-based): chr11:118,491,809, G>A. VCF-style: chr11-118491809-G-A. GRCh37 (hg19) VCF-style: chr11-118362524-G-A.
Other names: c.4975G>A, p.Glu1659Lys (NM_001412597.1); c.4876G>A, p.Glu1626Lys (NM_005933.4); short protein forms E1626K, E1629K, E1659K.
Identifiers: ClinVar variation 2501422 (VCV002501422.1), dbSNP rs2496922232, ClinGen allele CA382834745.